The following is an entry in ClinVar:

NM_000528.4(MAN2B1):c.262+2T>C

Gene: MAN2B1 (mannosidase alpha class 2B member 1; minus strand). Cytogenetic location: 19p13.13.
Variant type: single nucleotide variant.
Coding change: c.262+2T>C on transcript NM_000528.4 (MANE Select); the canonical splice donor site of the intron after coding-DNA position 262, T replaced by C.
Molecular consequence: splice donor variant.
Genome position (GRCh38, 1-based): chr19:12,665,701, A>G on the plus strand (T>C on the coding strand, the complement: MAN2B1 is on the minus strand). VCF-style: chr19-12665701-A-G. GRCh37 (hg19) VCF-style: chr19-12776515-A-G.
Other names: c.262+2T>C (NM_001173498.2).
Identifiers: ClinVar variation 2055594 (VCV002055594.5), dbSNP rs2512517362, ClinGen allele CA404257743.

ClinVar aggregate classification (germline): Likely pathogenic. Review status: criteria provided, multiple submitters, no conflicts (2 of 4 stars). 2 submissions from 2 submitters: Likely pathogenic (2). Last evaluated 2023-06-15.

Conditions:
Deficiency of alpha-mannosidase (MANSA). Also called: Mannosidosis, alpha-, types I and II; Alpha-Mannosidosis; LYSOSOMAL ALPHA-D-MANNOSIDASE DEFICIENCY. Identifiers: Orphanet 61, MedGen C0024748, MONDO:0009561, OMIM 248500.

Allele frequency attached by ClinVar (database versions not stated): gnomAD exomes 0.00001.

Submissions (2):

Baylor Genetics
Classification: Likely pathogenic for Deficiency of alpha-mannosidase. Last evaluated: 2023-06-15. Review status: criteria provided, single submitter. Criteria: ACMG Guidelines, 2015. Collection method: clinical testing. Allele origin: unknown.

Labcorp Genetics (formerly Invitae), Labcorp
Classification: Likely pathogenic for Deficiency of alpha-mannosidase. Last evaluated: 2021-12-23. Review status: criteria provided, single submitter. Criteria: Invitae Variant Classification Sherloc (09022015). Collection method: clinical testing. Allele origin: germline.
Comment: This sequence change affects a donor splice site in intron 2 of the MAN2B1 gene. It is expected to disrupt RNA splicing. Variants that disrupt the donor or acceptor splice site typically lead to a loss of protein function (PMID: 16199547), and loss-of-function variants in MAN2B1 are known to be pathogenic (PMID: 9915946, 22161967). This variant is not present in population databases (gnomAD no frequency). This variant has not been reported in the literature in individuals affected with MAN2B1-related conditions. Algorithms developed to predict the effect of sequence changes on RNA splicing suggest that this variant may disrupt the consensus splice site. In summary, the currently available evidence indicates that the variant is pathogenic, but additional data are needed to prove that conclusively. Therefore, this variant has been classified as Likely Pathogenic.

Literature cited by the submitters: PubMed 16199547 (cited by Labcorp Genetics (formerly Invitae), Labcorp); PubMed 9915946 (cited by Labcorp Genetics (formerly Invitae), Labcorp); PubMed 22161967 (cited by Labcorp Genetics (formerly Invitae), Labcorp).